The following is an entry in ClinVar:

ClinVar aggregate classification (germline): Uncertain significance (1 of 4 stars; one submission).

Conditions:
H syndrome. Also called: FAISALABAD HISTIOCYTOSIS; Histiocytosis with joint contractures and sensorineural deafness; HISTIOCYTOSIS AND LYMPHADENOPATHY WITH OR WITHOUT CUTANEOUS, CARDIAC, AND/OR ENDOCRINE FEATURES, JOINT CONTRACTURES, AND/OR DEAFNESS; HYPERPIGMENTATION, CUTANEOUS, WITH HYPERTRICHOSIS, HEPATOSPLENOMEGALY, HEART ANOMALIES, AND HYPOGONADISM WITH OR WITHOUT HEARING LOSS; PIGMENTED HYPERTRICHOSIS WITH INSULIN-DEPENDENT DIABETES MELLITUS; ROSAI-DORFMAN DISEASE, FAMILIAL. Identifiers: Orphanet 168569, MedGen C1864445, MONDO:0011273, OMIM 602782.

gnomAD v4.1: 2 of 1,614,170 alleles (0.00012%); highest among the groups gnomAD compares: Admixed American, 0.0033%; no homozygotes.

Submission:

Labcorp Genetics (formerly Invitae), Labcorp
Classification: Uncertain significance for H syndrome. Last evaluated: 2022-10-18. Review status: criteria provided, single submitter. Criteria: Invitae Variant Classification Sherloc (09022015). Collection method: clinical testing. Allele origin: germline.
Comment: This sequence change replaces leucine, which is neutral and non-polar, with valine, which is neutral and non-polar, at codon 379 of the SLC29A3 protein (p.Leu379Val). This variant is present in population databases (no rsID available, gnomAD 0.003%). This variant has not been reported in the literature in individuals affected with SLC29A3-related conditions. ClinVar contains an entry for this variant (Variation ID: 1002682). Advanced modeling of protein sequence and biophysical properties (such as structural, functional, and spatial information, amino acid conservation, physicochemical variation, residue mobility, and thermodynamic stability) performed at Invitae indicates that this missense variant is not expected to disrupt SLC29A3 protein function. In summary, the available evidence is currently insufficient to determine the role of this variant in disease. Therefore, it has been classified as a Variant of Uncertain Significance.

NM_018344.6(SLC29A3):c.1135C>G (p.Leu379Val)

Gene: SLC29A3 (solute carrier family 29 member 3; plus strand). Cytogenetic location: 10q22.1.
Variant type: single nucleotide variant.
Coding change: c.1135C>G on transcript NM_018344.6 (MANE Select); coding-DNA position 1135, C replaced by G.
Protein change: p.Leu379Val; replaces leucine 379 with valine.
Molecular consequence: missense variant. On other transcripts: 3 prime UTR variant (1), non-coding transcript variant (2).
Genome position (GRCh38, 1-based): chr10:71,362,315, C>G. VCF-style: chr10-71362315-C-G. GRCh37 (hg19) VCF-style: chr10-73122072-C-G.
Other names: c.*364C>G (NM_001174098.2); c.901C>G, p.Leu301Val (NM_001363518.2); short protein forms L301V, L379V.
Identifiers: ClinVar variation 1002682 (VCV001002682.4), dbSNP rs762572378, ClinGen allele CA377116898.